The following is an entry in ClinVar:

ClinVar aggregate classification (germline): Benign/Likely benign. Review status: criteria provided, multiple submitters, no conflicts (2 of 4 stars). 5 submissions from 5 submitters: Benign (1); Likely benign (4). Last evaluated 2024-06-11.

Conditions:
Hereditary cancer-predisposing syndrome. Also called: Tumor predisposition; Neoplastic Syndromes, Hereditary; Hereditary Cancer Syndrome; Hereditary neoplastic syndrome. Identifiers: Orphanet 140162, MedGen C0027672, MeSH D009386, MONDO:0015356.
Familial cancer of breast. Also called: Hereditary breast cancer; BREAST CANCER, FAMILIAL; hereditary breast carcinoma. Identifiers: Orphanet 227535, MedGen C0346153, MONDO:0016419, OMIM 114480. Disease mechanism: loss of function.
Ataxia-telangiectasia syndrome (AT). Also called: ATAXIA-TELANGIECTASIA, COMPLEMENTATION GROUP A; ATAXIA-TELANGIECTASIA, FRESNO VARIANT; Ataxia-telangiectasia; Ataxia-telangiectasia, complementation group D; AT, COMPLEMENTATION GROUP C; Ataxia-telangiectasia, complementation group E. Identifiers: Orphanet 100, MedGen C0004135, MONDO:0008840, OMIM 208900.

Allele frequency attached by ClinVar (database versions not stated): gnomAD exomes below 0.00001 and 0.00001; TOPMed below 0.00001; ExAC 0.00001.
gnomAD v4.1: 3 of 1,613,748 alleles (0.00019%); highest among the groups gnomAD compares: Non-Finnish European, 0.00025%; no homozygotes.

Submissions (5):

Labcorp Genetics (formerly Invitae), Labcorp
Classification: Likely benign for Ataxia-telangiectasia syndrome. Last evaluated: 2024-06-11. Review status: criteria provided, single submitter. Criteria: Invitae Variant Classification Sherloc (09022015). Collection method: clinical testing. Allele origin: germline.

Myriad Genetics, Inc.
Classification: Benign for Familial cancer of breast. Last evaluated: 2024-06-10. Review status: criteria provided, single submitter. Criteria: Myriad Autosomal Dominant, Autosomal Recessive and X-Linked Classification Criteria (2023). Collection method: clinical testing. Allele origin: unknown.
Comment: This variant is considered benign. This variant is a silent/synonymous amino acid change and it is not expected to impact splicing.

Sema4
Classification: Likely benign for Hereditary cancer-predisposing syndrome. Last evaluated: 2021-09-23. Review status: criteria provided, single submitter. Criteria: Sema4 Curation Guidelines. Collection method: curation. Allele origin: germline.

Ambry Genetics
Classification: Likely benign for Hereditary cancer-predisposing syndrome. Last evaluated: 2018-04-03. Review status: criteria provided, single submitter. Criteria: Ambry Variant Classification Scheme 2023. Collection method: clinical testing. Allele origin: germline.

Color Diagnostics, LLC DBA Color Health
Classification: Likely benign for Hereditary cancer-predisposing syndrome. Last evaluated: 2016-05-16. Review status: criteria provided, single submitter. Criteria: ACMG Guidelines, 2015. Collection method: clinical testing. Allele origin: germline.

NM_000051.4(ATM):c.6729A>G (p.Gln2243=)

Genes: ATM (ATM serine/threonine kinase; plus strand), C11orf65 (chromosome 11 open reading frame 65; minus strand). Cytogenetic location: 11q22.3.
Variant type: single nucleotide variant.
Coding change: c.6729A>G on transcript NM_000051.4 (MANE Select); coding-DNA position 6729, A replaced by G.
Protein change: p.Gln2243=; no amino-acid change (glutamine 2243 retained).
Molecular consequence: synonymous variant. On other transcripts: intron variant (2).
Genome position (GRCh38, 1-based): chr11:108,325,466, A>G. VCF-style: chr11-108325466-A-G. GRCh37 (hg19) VCF-style: chr11-108196193-A-G.
Other names: c.6729A>G, p.Gln2243= (NM_001351834.2); c.641-16395T>C (NM_001330368.2); c.*38+9754T>C (NM_001351110.2).
Identifiers: ClinVar variation 826582 (VCV000826582.14), dbSNP rs763431129, ClinGen allele CA6266001.
Genomic context (GRCh38, chr11:108,325,466, plus strand): 5'-CATGGCTCTACGCACAGTCATTTTGGAGATCCTGATGGAAAAGGAAATGGACAACTCACA[A>G]AGAGAATGTATTAAGGACATTCTCACCAAACACCTTGTAGAACTCTCTATACTGGCCAGA-3'
Protein context (NP_000042.3, residues 2233-2253): ILMEKEMDNS[Gln2243=]RECIKDILTK